The following is an entry in ClinVar:

NM_000454.5(SOD1):c.297T>C (p.Ser99=)

Gene: SOD1 (superoxide dismutase 1; plus strand). Cytogenetic location: 21q22.11.
Variant type: single nucleotide variant.
Coding change: c.297T>C on transcript NM_000454.5 (MANE Select); coding-DNA position 297, T replaced by C.
Protein change: p.Ser99=; no amino-acid change (serine 99 retained).
Molecular consequence: synonymous variant.
Genome position (GRCh38, 1-based): chr21:31,667,315, T>C. VCF-style: chr21-31667315-T-C. GRCh37 (hg19) VCF-style: chr21-33039628-T-C.
Other names: p.Ser99=.
Identifiers: ClinVar variation 2652586 (VCV002652586.29), dbSNP rs1432013430, ClinGen allele CA512113759.

ClinVar aggregate classification (germline): Likely benign. Review status: criteria provided, multiple submitters, no conflicts (2 of 4 stars). 4 submissions from 4 submitters: Likely benign (3). 1 of the submissions does not count toward it. Last evaluated 2025-09-28.

Conditions:
SOD1-related disorder. Also called: SOD1-related condition.
Amyotrophic lateral sclerosis type 1 (ALS1). Also called: AMYOTROPHIC LATERAL SCLEROSIS 1, FAMILIAL. Identifiers: Orphanet 803, MedGen C1862939, MONDO:0007103, OMIM 105400.

Allele frequency attached by ClinVar (database versions not stated): gnomAD exomes below 0.00001.
gnomAD v4.1: 2 of 1,614,152 alleles (0.00012%); highest among the groups gnomAD compares: African/African-American, 0.0013%; no homozygotes.

Submissions (4):

Mayo Clinic Laboratories, Mayo Clinic
Classification: Likely benign. Last evaluated: 2025-09-28. Review status: criteria provided, single submitter. Criteria: ACMG Guidelines, 2015. Collection method: clinical testing. Allele origin: germline. Observed: 1 variant allele.
Comment: BP7, PM2_supporting

Labcorp Genetics (formerly Invitae), Labcorp
Classification: Likely benign for Amyotrophic lateral sclerosis type 1. Last evaluated: 2022-11-06. Review status: criteria provided, single submitter. Criteria: Invitae Variant Classification Sherloc (09022015). Collection method: clinical testing. Allele origin: germline.

CeGaT Center for Human Genetics Tuebingen
Classification: Likely benign. Last evaluated: 2022-03-01. Review status: criteria provided, single submitter. Criteria: CeGaT Center For Human Genetics Tuebingen Variant Classification Criteria Version 2. Collection method: clinical testing. Allele origin: germline. Affected: yes. Observed: 1 variant allele.
Comment: SOD1: BP4, BP7

PreventionGenetics, part of Exact Sciences
Classification: Likely benign for SOD1-related condition. Last evaluated: 2019-07-02. Review status: no assertion criteria provided. Collection method: clinical testing. Allele origin: germline. Not counted in ClinVar's aggregate classification.
Comment: This variant is classified as likely benign based on ACMG/AMP sequence variant interpretation guidelines (Richards et al. 2015 PMID: 25741868, with internal and published modifications).